The following is an entry in ClinVar:

NM_000540.3(RYR1):c.4314C>T (p.Val1438=)

Gene: RYR1 (ryanodine receptor 1; plus strand). Cytogenetic location: 19q13.2.
Variant type: single nucleotide variant.
Coding change: c.4314C>T on transcript NM_000540.3 (MANE Select); coding-DNA position 4314, C replaced by T.
Protein change: p.Val1438=; no amino-acid change (valine 1438 retained).
Molecular consequence: synonymous variant.
Genome position (GRCh38, 1-based): chr19:38,477,730, C>T. VCF-style: chr19-38477730-C-T. GRCh37 (hg19) VCF-style: chr19-38968370-C-T.
Other names: c.4314C>T, p.Val1438= (NM_001042723.2).
Identifiers: ClinVar variation 2789705 (VCV002789705.4), dbSNP rs2514176950, ClinGen allele CA507236306.
Genomic context (GRCh38, chr19:38,477,730, plus strand): 5'-CTTCCAGACTGACCACTAGTTCCCCTCCTTGTGTCACCAGTACTATTACTCCGTGAGGGT[C>T]TTTGCTGGACAGGAGCCCAGCTGCGTGTGGGCGGGCTGGGTCACCCCTGACTACCATCAG-3'
Protein context (NP_000531.2, residues 1428-1448): NTTTYYYSVR[Val1438=]FAGQEPSCVW

ClinVar aggregate classification (germline): Conflicting classifications of pathogenicity. Review status: criteria provided, conflicting classifications (1 of 4 stars). 2 submissions from 2 submitters: Uncertain significance (1); Likely benign (1). Last evaluated 2023-04-03.

Conditions:
Malignant hyperthermia, susceptibility to, 1 (MHS1). Also called: Anesthesia related hyperthermia; Malignant hyperpyrexia; Fulminating hyperpyrexia; Pharmacogenic myopathy; Malignant hyperthermia suceptibility 1; RYR1-Related Malignant Hyperthermia Susceptibility. Identifiers: Orphanet 423, MedGen C2930980, MONDO:0007783, OMIM 145600.
RYR1-related disorder. Also called: RYR1-related condition; RYR1-related disorders. Identifiers: MedGen CN239331.

Allele frequency attached by ClinVar (database versions not stated): gnomAD exomes below 0.00001.
gnomAD v4.1: 1 of 1,614,150 alleles (0.000062%); highest among the groups gnomAD compares: African/African-American, 0.0013%; no homozygotes.

Submissions (2):

All of Us Research Program, National Institutes of Health
Classification: Uncertain significance for Malignant hyperthermia, susceptibility to, 1. Last evaluated: 2023-04-03. Review status: criteria provided, single submitter. Criteria: ACMG Guidelines, 2015. Collection method: clinical testing. Allele origin: germline. Inheritance: Autosomal dominant inheritance. Observed: 1 variant allele, 1 heterozygote.
Comment: This variant is located in the RYR1 protein. To our knowledge, functional studies have not been reported for this variant. This variant has not been reported in individuals affected with RYR1-related disorders in the literature. This variant has not been identified in the general population by the Genome Aggregation Database (gnomAD). The available evidence is insufficient to determine the role of this variant in disease conclusively. Therefore, this variant is classified as a Variant of Uncertain Significance.

This study involves interpretation of variants in research participants for the purpose of population health screening. Participant phenotype was not available at the time of variant classification. Additional details can be found in publication PMID: 35346344, PMCID: PMC8962531

Labcorp Genetics (formerly Invitae), Labcorp
Classification: Likely benign for RYR1-related disorder. Last evaluated: 2023-02-21. Review status: criteria provided, single submitter. Criteria: Invitae Variant Classification Sherloc (09022015). Collection method: clinical testing. Allele origin: germline.